The following is an entry in ClinVar:

ClinVar aggregate classification (germline): Uncertain significance (1 of 4 stars; one submission).

Allele frequency attached by ClinVar (database versions not stated): gnomAD exomes 0.00002 and 0.00005; TOPMed 0.00002; ExAC 0.00003.
gnomAD v4.1: 13 of 1,613,828 alleles (0.00081%); highest among the groups gnomAD compares: Admixed American, 0.022%; no homozygotes.

Submission:

Labcorp Genetics (formerly Invitae), Labcorp
Classification: Uncertain significance. Last evaluated: 2022-04-26. Review status: criteria provided, single submitter. Criteria: Invitae Variant Classification Sherloc (09022015). Collection method: clinical testing. Allele origin: germline.
Comment: This sequence change replaces lysine, which is basic and polar, with glutamine, which is neutral and polar, at codon 1420 of the LAMC3 protein (p.Lys1420Gln). This variant is present in population databases (rs780155628, gnomAD 0.03%). This variant has not been reported in the literature in individuals affected with LAMC3-related conditions. Algorithms developed to predict the effect of missense changes on protein structure and function are either unavailable or do not agree on the potential impact of this missense change (SIFT: "Tolerated"; PolyPhen-2: "Possibly Damaging"; Align-GVGD: "Class C0"). In summary, the available evidence is currently insufficient to determine the role of this variant in disease. Therefore, it has been classified as a Variant of Uncertain Significance.

NM_006059.4(LAMC3):c.4258A>C (p.Lys1420Gln)

Gene: LAMC3 (laminin subunit gamma 3; plus strand). Cytogenetic location: 9q34.12.
Variant type: single nucleotide variant.
Coding change: c.4258A>C on transcript NM_006059.4 (MANE Select); coding-DNA position 4258, A replaced by C.
Protein change: p.Lys1420Gln; replaces lysine 1420 with glutamine.
Molecular consequence: missense variant.
Genome position (GRCh38, 1-based): chr9:131,087,503, A>C. VCF-style: chr9-131087503-A-C. GRCh37 (hg19) VCF-style: chr9-133962890-A-C.
Other names: short protein forms K1420Q.
Identifiers: ClinVar variation 1441602 (VCV001441602.6), dbSNP rs780155628, ClinGen allele CA5288108.
Genomic context (GRCh38, chr9:131,087,503, plus strand): 5'-TTCTTCTCCCTGCCACTGCCACCCATCCCATAGCTTGCCAAGGCCTTGCTGAGGGAGCGG[A>C]AACAGGCGCACCGCCGTGCCAGCAGGCTCACCAGCCAGACGCAAGCCACGCTCCAACAGG-3'
Protein context (NP_006050.3, residues 1410-1430): KLAKALLRER[Lys1420Gln]QAHRRASRLT